The following is an entry in ClinVar:

ClinVar aggregate classification (germline): Conflicting classifications of pathogenicity. Review status: criteria provided, conflicting classifications (1 of 4 stars). 5 submissions from 5 submitters: Likely pathogenic (1); Uncertain significance (3). 1 of the submissions does not count toward it. Last evaluated 2026-07-24.

Conditions:
ALPK3-related disorder. Also called: ALPK3-related condition.
Cardiomyopathy, familial hypertrophic 27. Identifiers: MedGen C4748014, MONDO:0054838, OMIM 618052.
Cardiovascular phenotype. Identifiers: MedGen CN230736.

Submissions (5):

PreventionGenetics, part of Exact Sciences
Classification: Uncertain significance for ALPK3-related condition. Last evaluated: 2026-07-24. Review status: criteria provided, single submitter. Criteria: ACMG Guidelines, 2015. Collection method: clinical testing. Allele origin: germline.
Comment: The ALPK3 c.541delG variant is predicted to result in a frameshift and premature protein termination (p.Ala181Profs*130). This variant corresponds to a pre-coding position in the primary transcript for this gene (NM_020778.5: c.-66del, Hespe et al. 2025. PubMed ID: 40255155). This variant has been reported with a missense variant in ALPK3 in an individual with dilated cardiomyopathy (Herkert et al. 2020. PubMed ID: 32480058). This variant is reported in 0.070% of alleles in individuals of African descent in gnomAD. Although we suspect that this variant may be pathogenic, at this time, the clinical significance of this variant is uncertain due to the absence of conclusive functional and genetic evidence.

Labcorp Genetics (formerly Invitae), Labcorp
Classification: Uncertain significance. Last evaluated: 2026-01-28. Review status: criteria provided, single submitter. Criteria: Invitae Variant Classification Sherloc (09022015). Collection method: clinical testing. Allele origin: germline.
Comment: This sequence change creates a premature translational stop signal (p.Ala181Profs*130) in the ALPK3 gene. It is unclear whether it will result in an absent or disrupted protein product because an in-frame methionine located at codon 203 has the potential to rescue this truncating variant. This variant is present in population databases (no rsID available, gnomAD 0.06%). This premature translational stop signal has been observed in individual(s) with clinical features of ALPK3-related conditions (PMID: 32480058). ClinVar contains an entry for this variant (Variation ID: 1487747). Experimental studies and prediction algorithms are not available or were not evaluated, and the functional significance of this variant is currently unknown. In summary, the available evidence is currently insufficient to determine the role of this variant in disease. Therefore, it has been classified as a Variant of Uncertain Significance.

Ambry Genetics
Classification: Uncertain significance for Cardiovascular phenotype. Last evaluated: 2025-05-08. Review status: criteria provided, single submitter. Criteria: Ambry Variant Classification Scheme 2023. Collection method: clinical testing. Allele origin: germline.
Comment: The c.541delG variant, located in coding exon 1 of the ALPK3 gene, results from a deletion of one nucleotide at nucleotide position 541, causing a translational frameshift with a predicted alternate stop codon (p.A181Pfs*130). This variant was reported in one individual with dilated cardiomyopathy, who had a second ALPK3 variant also detected; however, phase information was not provided (Herkert JC et al. Am Heart J, 2020 07;225:108-119). This alteration is expected to result in loss of function by premature protein truncation or nonsense-mediated mRNA decay. However, based on data from gnomAD, several loss of function alterations in the first exon of ALPK3 (p.C64* and p.E148Qfs*8) are too frequent to cause disease given the incidence of pediatric cardiomyopathy. The abundance of nonsense and frameshift alleles in the first exon in population databases brings into question the pathogenicity of loss of function alterations in N-terminus of ALPK3 and suggests the possibility of an alternative start site. Since supporting evidence is limited at this time, the clinical significance of this alteration remains unclear.

Blueprint Genetics
Classification: Likely pathogenic for ALPK3-related disorders. Last evaluated: 2021-11-10. Review status: criteria provided, single submitter. Criteria: ACMG Guidelines, 2015. Collection method: clinical testing. Allele origin: germline. Affected: yes. Observed: 5 variant alleles.

OMIM
Classification: Pathogenic for CARDIOMYOPATHY, FAMILIAL HYPERTROPHIC, 27. Last evaluated: 2025-02-20. Review status: no assertion criteria provided. Collection method: literature only. Allele origin: germline. Not counted in ClinVar's aggregate classification.

Literature cited by the submitters: PubMed 32480058 (cited by 3 submitters); PubMed 33076350 (cited by Ambry Genetics).

NM_020778.5(ALPK3):c.-66del

Gene: ALPK3 (alpha kinase 3; plus strand). Cytogenetic location: 15q25.3.
Variant type: Deletion.
Coding change: c.-66del on transcript NM_020778.5 (MANE Select); 66 bases upstream of the start codon, one base deleted (G; older notation c.-66delG).
Molecular consequence: 5 prime UTR variant.
Genome position (GRCh38, 1-based): chr15:84,817,387, G deleted; the last of 5 consecutive G bases (chr15:84,817,383-84,817,387); deleting any one gives the same sequence. VCF-style (leftmost placement, unchanged base first): chr15-84817382-CG-C. GRCh37 (hg19) VCF-style: chr15-85360613-CG-C.
Identifiers: ClinVar variation 1487747 (VCV001487747.12), dbSNP rs974266035, ClinGen allele CA273651062.